The following is an entry in ClinVar:

ClinVar aggregate classification (germline): Benign. Review status: criteria provided, multiple submitters, no conflicts (2 of 4 stars). 4 submissions from 4 submitters: Benign (2). 2 of the submissions do not count toward it. Last evaluated 2021-03-31.

Conditions:
Deficiency of phosphoserine phosphatase (PSPHD). Also called: Phosphoserine phosphatase deficiency; PSPH deficiency. Identifiers: Orphanet 79350, MedGen C1291463, MONDO:0013531, OMIM 614023.

Allele frequency attached by ClinVar (database versions not stated): gnomAD exomes 0.04067; ExAC 0.05867; 1000 Genomes Project 30x 0.35946.

Submissions (4):

GeneDx
Classification: Benign. Last evaluated: 2021-03-31. Review status: criteria provided, single submitter. Criteria: GeneDx Variant Classification Process June 2021. Collection method: clinical testing. Allele origin: germline. Affected: yes.

Illumina Laboratory Services, Illumina
Classification: Benign for Deficiency of phosphoserine phosphatase. Last evaluated: 2018-01-13. Review status: criteria provided, single submitter. Criteria: ICSL Variant Classification Criteria 13 December 2019. Collection method: clinical testing. Allele origin: germline.
Comment: This variant was observed in the ICSL laboratory as part of a predisposition screen in an ostensibly healthy population. It had not been previously curated by ICSL or reported in the Human Gene Mutation Database (HGMD: prior to June 1st, 2018), and was therefore a candidate for classification through an automated scoring system. Utilizing variant allele frequency, disease prevalence and penetrance estimates, and inheritance mode, an automated score was calculated to assess if this variant is too frequent to cause the disease. Based on the score and internal cut-off values, a variant classified as benign is not then subjected to further curation. The score for this variant resulted in a classification of benign for this disease.

Diagnostic Laboratory, Department of Genetics, University Medical Center Groningen
Classification: Benign. Review status: no assertion criteria provided. Collection method: clinical testing. Allele origin: germline. Affected: yes. Study: VKGL Data-share Consensus. Not counted in ClinVar's aggregate classification.

Laboratory of Diagnostic Genome Analysis, Leiden University Medical Center (LUMC)
Classification: Likely benign. Review status: no assertion criteria provided. Collection method: clinical testing. Allele origin: germline. Affected: yes. Study: VKGL Data-share Consensus. Not counted in ClinVar's aggregate classification.

NM_004577.4(PSPH):c.203T>C (p.Leu68Pro)

Gene: PSPH (phosphoserine phosphatase; minus strand). Cytogenetic location: 7p11.2.
Variant type: single nucleotide variant.
Coding change: c.203T>C on transcript NM_004577.4 (MANE Select); coding-DNA position 203, T replaced by C.
Protein change: p.Leu68Pro; replaces leucine 68 with proline.
Molecular consequence: missense variant.
Genome position (GRCh38, 1-based): chr7:56,019,672, A>G on the plus strand (T>C on the coding strand, the complement: PSPH is on the minus strand). VCF-style: chr7-56019672-A-G. GRCh37 (hg19) VCF-style: chr7-56087365-A-G.
Other names: c.203T>C, p.Leu68Pro (NM_001370505.1, NM_001370506.1, NM_001370507.1 and 17 more transcripts); short protein forms L68P.
Identifiers: ClinVar variation 911506 (VCV000911506.9), dbSNP rs78067484, ClinGen allele CA4268739.
Genomic context (GRCh38, chr7:56,019,672, plus strand): 5'-GTCAGGTGTGGGGGTTGCTCTGCTATGAGTCTCTGCACCTGCTCCCTGGAGGGCTGGATG[A>G]GGGCTAAGCGCTCTGTGAGAGCAGCTTTGAAAGGCACTGCCCCGCCCATGGCTCGCCGTG-3'
Protein context (NP_004568.2, residues 58-78): FKAALTERLA[Leu68Pro]IQPSREQVQR